The following is an entry in ClinVar:

NM_153766.3(KCNJ1):c.491C>G (p.Ser164Cys)

Gene: KCNJ1 (potassium inwardly rectifying channel subfamily J member 1; minus strand). Cytogenetic location: 11q24.3.
Variant type: single nucleotide variant.
Coding change: c.491C>G on transcript NM_153766.3 (MANE Select); coding-DNA position 491, C replaced by G.
Protein change: p.Ser164Cys; replaces serine 164 with cysteine.
Molecular consequence: missense variant.
Genome position (GRCh38, 1-based): chr11:128,839,753, G>C on the plus strand (C>G on the coding strand, the complement: KCNJ1 is on the minus strand). VCF-style: chr11-128839753-G-C. GRCh37 (hg19) VCF-style: chr11-128709648-G-C.
Other names: c.548C>G, p.Ser183Cys (NM_000220.6); c.491C>G, p.Ser164Cys (NM_153764.3, NM_153767.4); c.542C>G, p.Ser181Cys (NM_153765.3); short protein forms S164C, S181C, S183C.
Identifiers: ClinVar variation 4847068 (VCV004847068.1).

ClinVar aggregate classification (germline): Uncertain significance (1 of 4 stars; one submission).

gnomAD v4.1: 1 of 1,613,876 alleles (0.000062%); highest among the groups gnomAD compares: Non-Finnish European, 0.000085%; no homozygotes.

Submission:

Women's Health and Genetics/Laboratory Corporation of America, LabCorp
Classification: Uncertain significance. Last evaluated: 2026-03-19. Review status: criteria provided, single submitter. Criteria: LabCorp Variant Classification Summary - May 2015. Collection method: clinical testing. Allele origin: germline.
Comment: Variant summary: KCNJ1 c.548C>G (p.Ser183Cys) results in a non-conservative amino acid change in the encoded protein sequence. Algorithms developed to predict the effect of missense changes on protein structure and function all suggest that this variant is likely to be disruptive. The variant was absent in 250324 control chromosomes (gnomAD). The available data on variant occurrences in the general population are insufficient to allow any conclusion about variant significance. c.548C>G has been observed in one individual affected with Bartter Syndrome, Type 2 (Brochard_2009). These data do not allow any conclusion about variant significance. To our knowledge, no experimental evidence demonstrating an impact on protein function has been reported. The following publication have been ascertained in the context of this evaluation (PMID: 19096086). No submitters have cited clinical-significance assessments for this variant to ClinVar. Based on the evidence outlined above, the variant was classified as uncertain significance.

Literature cited by the submitters: PubMed 19096086.